The following is an entry in ClinVar:

ClinVar aggregate classification (germline): Conflicting classifications of pathogenicity. Review status: criteria provided, conflicting classifications (1 of 4 stars). 4 submissions from 4 submitters: Uncertain significance (1); Likely benign (3). Last evaluated 2026-08-31.

Conditions:
PLEC-related disorder. Also called: PLEC-related disorders; PLEC-related condition.
Epidermolysis bullosa simplex with nail dystrophy (EBS5D). Identifiers: MedGen C4225309, MONDO:0014661, OMIM 616487.
Epidermolysis bullosa simplex 5B, with muscular dystrophy (EBS5B). Also called: Epidermolysis bullosa simplex with muscular dystrophy; EPIDERMOLYSIS BULLOSA SIMPLEX AND LIMB-GIRDLE MUSCULAR DYSTROPHY. Identifiers: Orphanet 257, MedGen C2931072, MONDO:0009181, OMIM 226670.
Autosomal recessive limb-girdle muscular dystrophy type 2Q (LGMDR17). Also called: MUSCULAR DYSTROPHY, LIMB-GIRDLE, AUTOSOMAL RECESSIVE 17. Identifiers: Orphanet 254361, MedGen C3150989, MONDO:0013390, OMIM 613723.
Epidermolysis bullosa simplex 5C, with pyloric atresia (EBS5C). Also called: PLEC-Related Epidermolysis Bullosa with Pyloric Atresia; Epidermolysis bullosa simplex with pyloric atresia; PLEC1-Related Epidermolysis Bullosa with Pyloric Atresia. Identifiers: Orphanet 158684, MedGen C2677349, MONDO:0012807, OMIM 612138.
Epidermolysis bullosa simplex, Ogna type (EBS5A). Also called: Pidermolysis bullosa simplex 5A, Ogna type; EPIDERMOLYSIS BULLOSA SIMPLEX 5A, OGNA TYPE. Identifiers: Orphanet 79401, MedGen C0432317, MONDO:0007555, OMIM 131950.

Allele frequency attached by ClinVar (database versions not stated): gnomAD 0.00017 and 0.00020; TOPMed 0.00017; gnomAD exomes 0.00032; ExAC 0.00045; 1000 Genomes Project 30x 0.00078; 1000 Genomes Project 0.00080.
gnomAD v4.1: 220 of 1,609,732 alleles (0.014%); highest among the groups gnomAD compares: East Asian, 0.28%; no homozygotes.

Submissions (4):

PreventionGenetics, part of Exact Sciences
Classification: Likely benign for PLEC-related condition. Last evaluated: 2026-08-31. Review status: criteria provided, single submitter. Criteria: ACMG Guidelines, 2015. Collection method: clinical testing. Allele origin: germline.
Comment: This variant is classified as likely benign based on ACMG/AMP sequence variant interpretation guidelines (Richards et al. 2015 PMID: 25741868, with internal and published modifications).

Labcorp Genetics (formerly Invitae), Labcorp
Classification: Likely benign for Autosomal recessive limb-girdle muscular dystrophy type 2Q; Epidermolysis bullosa simplex, Ogna type; Epidermolysis bullosa simplex with nail dystrophy; Epidermolysis bullosa simplex 5C, with pyloric atresia; Epidermolysis bullosa simplex 5B, with muscular dystrophy. Last evaluated: 2025-08-26. Review status: criteria provided, single submitter. Criteria: Invitae Variant Classification Sherloc (09022015). Collection method: clinical testing. Allele origin: germline.

Revvity Omics, Revvity
Classification: Uncertain significance. Last evaluated: 2021-09-01. Review status: criteria provided, single submitter. Criteria: ACMG Guidelines, 2015. Collection method: clinical testing. Allele origin: germline.

Athena Diagnostics
Classification: Likely benign. Last evaluated: 2019-11-20. Review status: criteria provided, single submitter. Criteria: Athena Diagnostics Criteria. Collection method: clinical testing. Allele origin: unknown.

NM_201384.3(PLEC):c.6971G>A (p.Arg2324Gln)

Gene: PLEC (plectin; minus strand). Cytogenetic location: 8q24.3.
Variant type: single nucleotide variant.
Coding change: c.6971G>A on transcript NM_201384.3 (MANE Select); coding-DNA position 6971, G replaced by A.
Protein change: p.Arg2324Gln; replaces arginine 2324 with glutamine.
Molecular consequence: missense variant.
Genome position (GRCh38, 1-based): chr8:143,922,958, C>T on the plus strand (G>A on the coding strand, the complement: PLEC is on the minus strand). VCF-style: chr8-143922958-C-T. GRCh37 (hg19) VCF-style: chr8-144997126-C-T.
Other names: c.7052G>A, p.Arg2351Gln (NM_000445.5); c.6929G>A, p.Arg2310Gln (NM_201378.4); c.6905G>A, p.Arg2302Gln (NM_201379.3); c.7382G>A, p.Arg2461Gln (NM_201380.4); c.6875G>A, p.Arg2292Gln (NM_201381.3); c.6971G>A, p.Arg2324Gln (NM_201382.4); c.6983G>A, p.Arg2328Gln (NM_201383.3); short protein forms R2302Q, R2328Q, R2351Q, R2310Q, R2461Q, R2292Q, R2324Q.
Identifiers: ClinVar variation 704598 (VCV000704598.18), dbSNP rs561571844, ClinGen allele CA4925794.